The following is an entry in ClinVar:

ClinVar aggregate classification (germline): Conflicting classifications of pathogenicity. Review status: criteria provided, conflicting classifications (1 of 4 stars). 4 submissions from 4 submitters: Uncertain significance (2); Likely benign (2). Last evaluated 2026-09-01.

Conditions:
Inborn genetic diseases. Identifiers: MedGen C0950123, MeSH D030342.

Allele frequency attached by ClinVar (database versions not stated): gnomAD exomes 0.00001 and 0.00002; TOPMed 0.00001.
gnomAD v4.1: 10 of 1,206,610 alleles (0.00083%); highest among the groups gnomAD compares: Middle Eastern, 0.023%; no homozygotes.

Submissions (4):

CeGaT Center for Human Genetics Tuebingen
Classification: Likely benign. Last evaluated: 2026-09-01. Review status: criteria provided, single submitter. Criteria: CeGaT Center For Human Genetics Tuebingen Variant Classification Criteria Version 2. Collection method: clinical testing. Allele origin: germline. Affected: yes. Observed: 1 variant allele.
Comment: GRIA3: BS2

GeneDx
Classification: Uncertain significance. Last evaluated: 2026-02-19. Review status: criteria provided, single submitter. Criteria: GeneDx Variant Classification Process June 2021. Collection method: clinical testing. Allele origin: germline.
Comment: In silico analysis supports that this missense variant has a deleterious effect on protein structure/function; Has not been previously published as pathogenic or benign to our knowledge

Labcorp Genetics (formerly Invitae), Labcorp
Classification: Uncertain significance. Last evaluated: 2025-12-12. Review status: criteria provided, single submitter. Criteria: Invitae Variant Classification Sherloc (09022015). Collection method: clinical testing. Allele origin: germline.
Comment: This sequence change replaces arginine, which is basic and polar, with histidine, which is basic and polar, at codon 204 of the GRIA3 protein (p.Arg204His). This variant is present in population databases (no rsID available, gnomAD 0.02%). This variant has not been reported in the literature in individuals affected with GRIA3-related conditions. ClinVar contains an entry for this variant (Variation ID: 1418712). Invitae Evidence Modeling of protein sequence and biophysical properties (such as structural, functional, and spatial information, amino acid conservation, physicochemical variation, residue mobility, and thermodynamic stability) indicates that this missense variant is not expected to disrupt GRIA3 protein function with a negative predictive value of 80%. In summary, the available evidence is currently insufficient to determine the role of this variant in disease. Therefore, it has been classified as a Variant of Uncertain Significance.

Ambry Genetics
Classification: Likely benign for Inborn genetic diseases. Last evaluated: 2023-10-05. Review status: criteria provided, single submitter. Criteria: Ambry Variant Classification Scheme 2023. Collection method: clinical testing. Allele origin: germline.

NM_007325.5(GRIA3):c.611G>A (p.Arg204His)

Gene: GRIA3 (glutamate ionotropic receptor AMPA type subunit 3; plus strand). Cytogenetic location: Xq25.
Variant type: single nucleotide variant.
Coding change: c.611G>A on transcript NM_007325.5 (MANE Select); coding-DNA position 611, G replaced by A.
Protein change: p.Arg204His; replaces arginine 204 with histidine.
Molecular consequence: missense variant.
Genome position (GRCh38, 1-based): chrX:123,326,128, G>A. VCF-style: chrX-123326128-G-A. GRCh37 (hg19) VCF-style: chrX-122459979-G-A.
Other names: c.611G>A, p.Arg204His (NM_000828.5); c.611G>A (NM_000828.4); short protein forms R204H.
Identifiers: ClinVar variation 1418712 (VCV001418712.11), dbSNP rs1392959973, ClinGen allele CA414261533.